The following is an entry in ClinVar:

NM_006279.5(ST3GAL3):c.942T>G (p.Cys314Trp)

Gene: ST3GAL3 (ST3 beta-galactoside alpha-2,3-sialyltransferase 3; plus strand). Cytogenetic location: 1p34.1.
Variant type: single nucleotide variant.
Coding change: c.942T>G on transcript NM_006279.5 (MANE Select); coding-DNA position 942, T replaced by G.
Protein change: p.Cys314Trp; replaces cysteine 314 with tryptophan.
Molecular consequence: missense variant. On other transcripts: non-coding transcript variant (6), intron variant (11).
Genome position (GRCh38, 1-based): chr1:43,920,832, T>G. VCF-style: chr1-43920832-T-G. GRCh37 (hg19) VCF-style: chr1-44386504-T-G.
Other names: c.852T>G, p.Cys284Trp (NM_001270459.2); c.849T>G, p.Cys283Trp (NM_001270460.2); c.987T>G, p.Cys329Trp (NM_001350619.2, NM_174964.4); c.942T>G, p.Cys314Trp (NM_001350620.2); c.663T>G, p.Cys221Trp (NM_001350621.2); c.1149T>G, p.Cys383Trp (NM_174963.5); c.1104T>G, p.Cys368Trp (NM_174968.5); c.894T>G, p.Cys298Trp (NM_174969.4); and 12 more; short protein forms C284W, C298W, C314W, C329W, C383W, C221W, C283W, C352W.
Identifiers: ClinVar variation 1042997 (VCV001042997.9), dbSNP rs2082902937, ClinGen allele CA340032711.
Genomic context (GRCh38, chr1:43,920,832, plus strand): 5'-CGTCTTCTAGAACATCCCTACCCTTGGCAGTGTGGCAGTGACCATGGCACTACACGGCTG[T>G]GACGAGGTGGCAGTCGCAGGATTTGGCTATGACATGAGCACACCCAACGCACCCCTGCAC-3'
Protein context (NP_006270.1, residues 304-324): SVAVTMALHG[Cys314Trp]DEVAVAGFGY

ClinVar aggregate classification (germline): Uncertain significance (1 of 4 stars; one submission).

Conditions:
Early-infantile DEE. Also called: Ohtahara syndrome; Early infantile epileptic encephalopathy with suppression bursts; Early infantile epileptic encephalopathy. Identifiers: Orphanet 1934, MedGen C0393706, MONDO:0800491.

Submission:

Labcorp Genetics (formerly Invitae), Labcorp
Classification: Uncertain significance for Early-infantile DEE. Last evaluated: 2020-06-13. Review status: criteria provided, single submitter. Criteria: Invitae Variant Classification Sherloc (09022015). Collection method: clinical testing. Allele origin: germline.
Comment: This sequence change replaces cysteine with tryptophan at codon 314 of the ST3GAL3 protein (p.Cys314Trp). The cysteine residue is moderately conserved and there is a large physicochemical difference between cysteine and tryptophan. This variant is not present in population databases (ExAC no frequency). This variant has not been reported in the literature in individuals with ST3GAL3-related conditions. Algorithms developed to predict the effect of missense changes on protein structure and function are either unavailable or do not agree on the potential impact of this missense change (SIFT: "Tolerated"; PolyPhen-2: "Probably Damaging"; Align-GVGD: "Class C0"). In summary, the available evidence is currently insufficient to determine the role of this variant in disease. Therefore, it has been classified as a Variant of Uncertain Significance.